The following is an entry in ClinVar:

ClinVar aggregate classification (germline): Pathogenic (1 of 4 stars; one submission).

Submission:

Labcorp Genetics (formerly Invitae), Labcorp
Classification: Pathogenic. Last evaluated: 2021-10-07. Review status: criteria provided, single submitter. Criteria: Invitae Variant Classification Sherloc (09022015). Collection method: clinical testing. Allele origin: germline.
Comment: For these reasons, this variant has been classified as Pathogenic. This variant has not been reported in the literature in individuals affected with USH1G-related conditions. This variant is not present in population databases (ExAC no frequency). This sequence change creates a premature translational stop signal (p.Arg223Alafs*31) in the USH1G gene. It is expected to result in an absent or disrupted protein product. Loss-of-function variants in USH1G are known to be pathogenic (PMID: 12588794, 22219650).

Literature cited by the submitters: PubMed 12588794; PubMed 22219650.

NM_173477.5(USH1G):c.666del (p.Arg223fs)

Gene: USH1G (USH1 protein network component sans; minus strand). Cytogenetic location: 17q25.1.
Variant type: Deletion.
Coding change: c.666del on transcript NM_173477.5 (MANE Select); coding-DNA position 666, one base deleted (G; older notation c.666delG).
Protein change: p.Arg223fs; shifts the reading frame from arginine 223.
Molecular consequence: frameshift variant.
Genome position (GRCh38, 1-based): chr17:74,920,170, C deleted on the plus strand (G on the coding strand, the reverse complement: USH1G is on the minus strand); the first of 2 consecutive C bases (chr17:74,920,170-74,920,171); deleting either gives the same sequence. VCF-style (leftmost placement, unchanged base first): chr17-74920169-GC-G. GRCh37 (hg19) VCF-style: chr17-72916264-GC-G.
Other names: c.357del, p.Arg120fs (NM_001282489.3); short protein forms R223fs, R120fs.
Identifiers: ClinVar variation 1459236 (VCV001459236.6), dbSNP rs2144754179, ClinGen allele CA2573154822.